The following is an entry in ClinVar:

ClinVar aggregate classification (germline): Uncertain significance (1 of 4 stars; one submission).

Submission:

GeneDx
Classification: Uncertain significance. Last evaluated: 2019-07-11. Review status: criteria provided, single submitter. Criteria: GeneDx Variant Classification Process June 2021. Collection method: clinical testing. Allele origin: germline. Affected: yes.
Comment: Not observed in large population cohorts (Lek et al., 2016); In silico analysis, which includes protein predictors and evolutionary conservation, supports that this variant does not alter protein structure/function; Has not been previously published as pathogenic or benign to our knowledge

NM_002047.4(GARS1):c.46C>G (p.Leu16Val)

Gene: GARS1 (glycyl-tRNA synthetase 1; plus strand). Cytogenetic location: 7p14.3.
Variant type: single nucleotide variant.
Coding change: c.46C>G on transcript NM_002047.4 (MANE Select); coding-DNA position 46, C replaced by G.
Protein change: p.Leu16Val; replaces leucine 16 with valine.
Molecular consequence: missense variant. On other transcripts: 5 prime UTR variant (1).
Genome position (GRCh38, 1-based): chr7:30,594,967, C>G. VCF-style: chr7-30594967-C-G. GRCh37 (hg19) VCF-style: chr7-30634583-C-G.
Other names: c.-117C>G (NM_001316772.1); short protein forms L16V.
Identifiers: ClinVar variation 1192037 (VCV001192037.2), dbSNP rs2128131920, ClinGen allele CA367138445.